The following is an entry in ClinVar:

ClinVar aggregate classification (germline): Uncertain significance (1 of 4 stars; one submission).

Conditions:
Acromesomelic dysplasia 1, Maroteaux type (AMD1). Also called: ACROMESOMELIC DYSPLASIA 1; ST. HELENA DYSPLASIA. Identifiers: Orphanet 40, MedGen C1864356, MONDO:0011275, OMIM 602875.
Tall stature-scoliosis-macrodactyly of the great toes syndrome. Also called: Epiphyseal chondrodysplasia, miura type. Identifiers: Orphanet 329191, MedGen C4014690, MONDO:0014401, OMIM 615923.

Submission:

Labcorp Genetics (formerly Invitae), Labcorp
Classification: Uncertain significance for Epiphyseal chondrodysplasia, miura type; Acromesomelic dysplasia, Maroteaux type. Last evaluated: 2019-07-31. Review status: criteria provided, single submitter. Criteria: Invitae Variant Classification Sherloc (09022015). Collection method: clinical testing. Allele origin: germline.
Comment: This sequence change replaces glycine with arginine at codon 375 of the NPR2 protein (p.Gly375Arg). The glycine residue is highly conserved and there is a moderate physicochemical difference between glycine and arginine. This variant also falls at the last nucleotide of exon 4 of the NPR2 coding sequence, which is part of the consensus splice site for this exon. This variant is not present in population databases (ExAC no frequency). This variant has not been reported in the literature in individuals with NPR2-related conditions. Algorithms developed to predict the effect of missense changes on protein structure and function (SIFT, PolyPhen-2, Align-GVGD) all suggest that this variant is likely to be disruptive, but these predictions have not been confirmed by published functional studies and their clinical significance is uncertain. Nucleotide substitutions within the consensus splice site are a relatively common cause of aberrant splicing (PMID: 17576681, 9536098). Algorithms developed to predict the effect of sequence changes on RNA splicing suggest that this variant may disrupt the consensus splice site, but this prediction has not been confirmed by published transcriptional studies. In summary, the available evidence is currently insufficient to determine the role of this variant in disease. Therefore, it has been classified as a Variant of Uncertain Significance.

NM_003995.4(NPR2):c.1123G>C (p.Gly375Arg)

Gene: NPR2 (natriuretic peptide receptor 2; plus strand). Cytogenetic location: 9p13.3.
Variant type: single nucleotide variant.
Coding change: c.1123G>C on transcript NM_003995.4 (MANE Select); coding-DNA position 1123, G replaced by C.
Protein change: p.Gly375Arg; replaces glycine 375 with arginine.
Molecular consequence: missense variant.
Genome position (GRCh38, 1-based): chr9:35,800,157, G>C. VCF-style: chr9-35800157-G-C. GRCh37 (hg19) VCF-style: chr9-35800154-G-C.
Other names: c.1123G>C, p.Gly375Arg (NM_001378923.1); short protein forms G375R.
Identifiers: ClinVar variation 946192 (VCV000946192.1), dbSNP rs1828095529, ClinGen allele CA373370386.